The following is an entry in ClinVar:

NM_001283009.2(RTEL1):c.3768G>C (p.Gln1256His)

Genes: RTEL1 (regulator of telomere elongation helicase 1; plus strand), RTEL1-TNFRSF6B (RTEL1-TNFRSF6B readthrough (NMD candidate); plus strand). Cytogenetic location: 20q13.33.
Variant type: single nucleotide variant.
Coding change: c.3768G>C on transcript NM_001283009.2 (MANE Select); coding-DNA position 3768, G replaced by C.
Protein change: p.Gln1256His; replaces glutamine 1256 with histidine.
Molecular consequence: missense variant. On other transcripts: non-coding transcript variant (1), intron variant (3).
Genome position (GRCh38, 1-based): chr20:63,695,596, G>C. VCF-style: chr20-63695596-G-C. GRCh37 (hg19) VCF-style: chr20-62326949-G-C.
Other names: c.2983+116G>C (NM_001283010.1); c.3724+116G>C (NM_032957.5); c.3652+116G>C (NM_016434.4); short protein forms Q1256H.
Identifiers: ClinVar variation 5028532 (VCV005028532.1).
Genomic context (GRCh38, chr20:63,695,596, plus strand): 5'-GCCCCTCTCAGCAGGCTGTGTGTGCCAGGGCTGTGGGGCAGAGGACGTGGTGCCCTTCCA[G>C]TGCCCTGCCTGTGACTTCCAGCGCTGCCAAGCCTGCTGGCAACGGCACCTTCAGGTTGGT-3'
Protein context (NP_001269938.1, residues 1246-1266): GCGAEDVVPF[Gln1256His]CPACDFQRCQ

ClinVar aggregate classification (germline): Uncertain significance (1 of 4 stars; one submission).

Conditions:
Inborn genetic diseases. Identifiers: MedGen C0950123, MeSH D030342.

Submission:

Ambry Genetics
Classification: Uncertain significance for Inborn genetic diseases. Last evaluated: 2026-09-01. Review status: criteria provided, single submitter. Criteria: Ambry Variant Classification Scheme 2023. Collection method: clinical testing. Allele origin: germline.
Comment: The p.Q1256H variant (also known as c.3768G>C), located in coding exon 33 of the RTEL1 gene, results from a G to C substitution at nucleotide position 3768. The glutamine at codon 1256 is replaced by histidine, an amino acid with highly similar properties. This amino acid position is conserved. In addition, this alteration is predicted to be tolerated by in silico analysis. Based on the available evidence, the clinical significance of this variant remains unclear.